The following is an entry in ClinVar:

NM_001690.4(ATP6V1A):c.29T>G (p.Leu10Arg)

Gene: ATP6V1A (ATPase H+ transporting V1 subunit A; plus strand). Cytogenetic location: 3q13.31.
Variant type: single nucleotide variant.
Coding change: c.29T>G on transcript NM_001690.4 (MANE Select); coding-DNA position 29, T replaced by G.
Protein change: p.Leu10Arg; replaces leucine 10 with arginine.
Molecular consequence: missense variant.
Genome position (GRCh38, 1-based): chr3:113,778,782, T>G. VCF-style: chr3-113778782-T-G. GRCh37 (hg19) VCF-style: chr3-113497629-T-G.
Other names: short protein forms L10R.
Identifiers: ClinVar variation 1176783 (VCV001176783.38), dbSNP rs781640990, ClinGen allele CA2547726.
Genomic context (GRCh38, chr3:113,778,782, plus strand): 5'-ATTTATTTATTTACTATAGGTAAACTAACATTATGGATTTTTCCAAGCTACCCAAAATAC[T>G]CGATGAAGATAAAGAAAGCACATTTGGTTATGTGCATGGGGTCTCAGGACCTGGTAAGTA-3'
Protein context (NP_001681.2, residues 1-20): MDFSKLPKI[Leu10Arg]DEDKESTFGY

ClinVar aggregate classification (germline): Uncertain significance. Review status: criteria provided, multiple submitters, no conflicts (2 of 4 stars). 2 submissions from 2 submitters: Uncertain significance (2). Last evaluated 2025-07-25.

Allele frequency attached by ClinVar (database versions not stated): gnomAD 0.00001; gnomAD exomes 0.00001; ExAC 0.00002; TOPMed 0.00002.
gnomAD v4.1: 34 of 1,595,194 alleles (0.0021%); highest among the groups gnomAD compares: Non-Finnish European, 0.0027%; no homozygotes.

Submissions (2):

Labcorp Genetics (formerly Invitae), Labcorp
Classification: Uncertain significance. Last evaluated: 2025-07-25. Review status: criteria provided, single submitter. Criteria: Invitae Variant Classification Sherloc (09022015). Collection method: clinical testing. Allele origin: germline.
Comment: This sequence change replaces leucine, which is neutral and non-polar, with arginine, which is basic and polar, at codon 10 of the ATP6V1A protein (p.Leu10Arg). This variant is present in population databases (rs781640990, gnomAD 0.002%). This variant has not been reported in the literature in individuals affected with ATP6V1A-related conditions. ClinVar contains an entry for this variant (Variation ID: 1176783). An algorithm developed to predict the effect of missense changes on protein structure and function outputs the following: PolyPhen-2: "Benign". The arginine amino acid residue is found in multiple mammalian species, which suggests that this missense change does not adversely affect protein function. In summary, the available evidence is currently insufficient to determine the role of this variant in disease. Therefore, it has been classified as a Variant of Uncertain Significance.

CeGaT Center for Human Genetics Tuebingen
Classification: Uncertain significance. Last evaluated: 2023-08-01. Review status: criteria provided, single submitter. Criteria: CeGaT Center For Human Genetics Tuebingen Variant Classification Criteria Version 2. Collection method: clinical testing. Allele origin: germline. Affected: yes. Observed: 3 variant alleles.
Comment: ATP6V1A: PM2, BP4